The following is an entry in ClinVar:

ClinVar aggregate classification (germline): Uncertain significance. Review status: criteria provided, multiple submitters, no conflicts (2 of 4 stars). 2 submissions from 2 submitters: Uncertain significance (2). Last evaluated 2021-06-22.

Conditions:
Encephalopathy, acute, infection-induced, susceptibility to, 9. Identifiers: MedGen C5193089, MONDO:0032742, OMIM 618426.

Allele frequency attached by ClinVar (database versions not stated): ExAC 0.00001; gnomAD exomes 0.00001 and 0.00002; gnomAD 0.00002 and 0.00003; TOPMed 0.00003; ESP Exome Variant Server 0.00008.
gnomAD v4.1: 17 of 1,613,574 alleles (0.0011%); highest among the groups gnomAD compares: East Asian, 0.0022%; no homozygotes.

Submissions (2):

Ambry Genetics
Classification: Uncertain significance. Last evaluated: 2021-06-22. Review status: criteria provided, single submitter. Criteria: Ambry Variant Classification Scheme 2023. Collection method: clinical testing. Allele origin: germline.

HudsonAlpha Institute for Biotechnology
Classification: Uncertain significance for Encephalopathy, acute, infection-induced, susceptibility to, 9. Last evaluated: 2021-03-17. Review status: criteria provided, single submitter. Criteria: ACMG Guidelines, 2015. Collection method: research. Allele origin: inherited. Observed: 1 variant allele. Study: CSER-SouthSeq.
Comment: ACMG codes:PM2; PP3

NM_005085.4(NUP214):c.3344C>T (p.Thr1115Met)

Gene: NUP214 (nucleoporin 214; plus strand). Cytogenetic location: 9q34.13.
Variant type: single nucleotide variant.
Coding change: c.3344C>T on transcript NM_005085.4 (MANE Select); coding-DNA position 3344, C replaced by T.
Protein change: p.Thr1115Met; replaces threonine 1115 with methionine.
Molecular consequence: missense variant.
Genome position (GRCh38, 1-based): chr9:131,178,335, C>T. VCF-style: chr9-131178335-C-T. GRCh37 (hg19) VCF-style: chr9-134053722-C-T.
Other names: c.3344C>T (NM_005085.2); c.3314C>T, p.Thr1105Met (NM_001318324.2); short protein forms T1105M, T1115M.
Identifiers: ClinVar variation 1048609 (VCV001048609.4), dbSNP rs377273494, ClinGen allele CA5289587.